The following is an entry in ClinVar:

NM_000179.3(MSH6):c.2492C>A (p.Pro831His)

Gene: MSH6 (mutS homolog 6; plus strand). Cytogenetic location: 2p16.3.
Variant type: single nucleotide variant.
Coding change: c.2492C>A on transcript NM_000179.3 (MANE Select); coding-DNA position 2492, C replaced by A.
Protein change: p.Pro831His; replaces proline 831 with histidine.
Molecular consequence: missense variant.
Genome position (GRCh38, 1-based): chr2:47,800,475, C>A. VCF-style: chr2-47800475-C-A. GRCh37 (hg19) VCF-style: chr2-48027614-C-A.
Other names: c.2102C>A, p.Pro701His (NM_001281492.2); c.1586C>A, p.Pro529His (NM_001281493.2, NM_001281494.2); short protein forms P831H, P701H, P529H.
Identifiers: ClinVar variation 1374263 (VCV001374263.6), dbSNP rs1558665602, ClinGen allele CA346754212.

ClinVar aggregate classification (germline): Uncertain significance (1 of 4 stars; one submission).

Conditions:
Hereditary nonpolyposis colorectal neoplasms. Identifiers: MedGen C0009405, MeSH D003123.

Submission:

Labcorp Genetics (formerly Invitae), Labcorp
Classification: Uncertain significance for Hereditary nonpolyposis colorectal neoplasms. Last evaluated: 2021-08-11. Review status: criteria provided, single submitter. Criteria: Invitae Variant Classification Sherloc (09022015). Collection method: clinical testing. Allele origin: germline.
Comment: This sequence change replaces proline with histidine at codon 831 of the MSH6 protein (p.Pro831His). The proline residue is moderately conserved and there is a moderate physicochemical difference between proline and histidine. In summary, the available evidence is currently insufficient to determine the role of this variant in disease. Therefore, it has been classified as a Variant of Uncertain Significance. Advanced modeling of protein sequence and biophysical properties (such as structural, functional, and spatial information, amino acid conservation, physicochemical variation, residue mobility, and thermodynamic stability) performed at Invitae indicates that this missense variant is not expected to disrupt MSH6 protein function. This variant has not been reported in the literature in individuals affected with MSH6-related conditions. This variant is not present in population databases (ExAC no frequency).